The following is an entry in ClinVar:

ClinVar aggregate classification (germline): Pathogenic (1 of 4 stars; one submission).

Submission:

ARUP Laboratories, Molecular Genetics and Genomics, ARUP Laboratories
Classification: Pathogenic. Last evaluated: 2017-05-21. Review status: criteria provided, single submitter. Criteria: ARUP Molecular Germline Variant Investigation Process. Collection method: clinical testing. Allele origin: germline.
Comment: The p.Gly1027Glu variant (rs72659323) has been reported as identified in at least two patients with osteogenesis imperfecta type II (Marini 2007, Bodian 2009). The p.Gly1027Glu variant is absent from general population databases such as 1000 Genomes, NHLBI GO Exome Sequencing Project (ESP) , the Exome Aggregation Consortium (ExAC) browser and the Genome Aggregation Consortium browser. The p.Gly1027Glu variant alters a glycine in triple helix repeat domain of COL1A2 and the majority of osteogenesis imperfecta (OI) associated collagen variants occur at a glycine residue within this region. Altogether, the p.Gly1027Glu variant has been classified as pathogenic.

NM_000089.4(COL1A2):c.3080G>A (p.Gly1027Glu)

Gene: COL1A2 (collagen type I alpha 2 chain; plus strand). Cytogenetic location: 7q21.3.
Variant type: single nucleotide variant.
Coding change: c.3080G>A on transcript NM_000089.4 (MANE Select); coding-DNA position 3080, G replaced by A.
Protein change: p.Gly1027Glu; replaces glycine 1027 with glutamic acid.
Molecular consequence: missense variant.
Genome position (GRCh38, 1-based): chr7:94,426,505, G>A. VCF-style: chr7-94426505-G-A. GRCh37 (hg19) VCF-style: chr7-94055817-G-A.
Other names: short protein forms G1027E.
Identifiers: ClinVar variation 618575 (VCV000618575.9), dbSNP rs72659323, ClinGen allele CA162940389.